The following is an entry in ClinVar:

NM_004364.5(CEBPA):c.475G>A (p.Val159Met)

Gene: CEBPA (CCAAT enhancer binding protein alpha; minus strand). Cytogenetic location: 19q13.11.
Variant type: single nucleotide variant.
Coding change: c.475G>A on transcript NM_004364.5 (MANE Select); coding-DNA position 475, G replaced by A.
Protein change: p.Val159Met; replaces valine 159 with methionine.
Molecular consequence: missense variant.
Genome position (GRCh38, 1-based): chr19:33,301,940, C>T on the plus strand (G>A on the coding strand, the complement: CEBPA is on the minus strand). VCF-style: chr19-33301940-C-T. GRCh37 (hg19) VCF-style: chr19-33792846-C-T.
Other names: c.118G>A, p.Val40Met (NM_001285829.2); c.580G>A, p.Val194Met (NM_001287424.2); c.433G>A, p.Val145Met (NM_001287435.2); short protein forms V145M, V194M, V40M, V159M.
Identifiers: ClinVar variation 2732053 (VCV002732053.4), dbSNP rs2145261853, ClinGen allele CA405274881.
Genomic context (GRCh38, chr19:33,301,940, plus strand): 5'-AGAGGCCGGCCAGCGCCAGCTGCTTGGCTTCATCCTCCTCGCGGGGCTCCTGCTTGATCA[C>T]CAGCGGCCGCAGCGCCGGCGCCCCGACGCGCTCGTACAGGGGCTCCAGCCTGCCGTCCAG-3'
Protein context (NP_004355.2, residues 149-169): RVGAPALRPL[Val159Met]IKQEPREEDE

ClinVar aggregate classification (germline): Uncertain significance. Review status: criteria provided, multiple submitters, no conflicts (2 of 4 stars). 2 submissions from 2 submitters: Uncertain significance (2). Last evaluated 2025-04-03.

Conditions:
Acute myeloid leukemia (AML). Also called: Acute myeloid leukemia, adult; AML adult; Acute non-lymphocytic leukemia; Acute granulocytic leukemia; Leukemia, acute myeloid, somatic; Leukemia, acute myelogenous, somatic. Identifiers: Orphanet 519, MedGen C0023467, MeSH D015470, MONDO:0018874, OMIM 601626, HP:0004808. Disease mechanism: Constitutively activated FLT3.
Inborn genetic diseases. Identifiers: MedGen C0950123, MeSH D030342.

Submissions (2):

Ambry Genetics
Classification: Uncertain significance for Inborn genetic diseases. Last evaluated: 2025-04-03. Review status: criteria provided, single submitter. Criteria: Ambry Variant Classification Scheme 2023. Collection method: clinical testing. Allele origin: germline.
Comment: The p.V159M variant (also known as c.475G>A), located in coding exon 1 of the CEBPA gene, results from a G to A substitution at nucleotide position 475. The valine at codon 159 is replaced by methionine, an amino acid with highly similar properties. This amino acid position is conserved. In addition, this alteration is predicted to be tolerated by in silico analysis. Based on the available evidence, the clinical significance of this variant remains unclear.

Labcorp Genetics (formerly Invitae), Labcorp
Classification: Uncertain significance for Acute myeloid leukemia. Last evaluated: 2024-02-08. Review status: criteria provided, single submitter. Criteria: Invitae Variant Classification Sherloc (09022015). Collection method: clinical testing. Allele origin: germline.
Comment: This sequence change replaces valine, which is neutral and non-polar, with methionine, which is neutral and non-polar, at codon 159 of the CEBPA protein (p.Val159Met). This variant is not present in population databases (gnomAD no frequency). This variant has not been reported in the literature in individuals affected with CEBPA-related conditions. Advanced modeling of protein sequence and biophysical properties (such as structural, functional, and spatial information, amino acid conservation, physicochemical variation, residue mobility, and thermodynamic stability) performed at Invitae indicates that this missense variant is not expected to disrupt CEBPA protein function with a negative predictive value of 80%. In summary, the available evidence is currently insufficient to determine the role of this variant in disease. Therefore, it has been classified as a Variant of Uncertain Significance.